The following is an entry in ClinVar:

ClinVar aggregate classification (germline): Uncertain significance. Review status: criteria provided, multiple submitters, no conflicts (2 of 4 stars). 2 submissions from 2 submitters: Uncertain significance (2). Last evaluated 2025-05-17.

Submissions (2):

Labcorp Genetics (formerly Invitae), Labcorp
Classification: Uncertain significance. Last evaluated: 2025-05-17. Review status: criteria provided, single submitter. Criteria: Invitae Variant Classification Sherloc (09022015). Collection method: clinical testing. Allele origin: germline.
Comment: This sequence change replaces arginine, which is basic and polar, with tryptophan, which is neutral and slightly polar, at codon 227 of the KRT71 protein (p.Arg227Trp). This variant is present in population databases (rs529328780, gnomAD 0.03%). This variant has not been reported in the literature in individuals affected with KRT71-related conditions. Invitae Evidence Modeling of protein sequence and biophysical properties (such as structural, functional, and spatial information, amino acid conservation, physicochemical variation, residue mobility, and thermodynamic stability) indicates that this missense variant is expected to disrupt KRT71 protein function with a positive predictive value of 80%. In summary, the available evidence is currently insufficient to determine the role of this variant in disease. Therefore, it has been classified as a Variant of Uncertain Significance.

Ambry Genetics
Classification: Uncertain significance. Last evaluated: 2025-04-04. Review status: criteria provided, single submitter. Criteria: Ambry Variant Classification Scheme 2023. Collection method: clinical testing. Allele origin: germline.

NM_033448.3(KRT71):c.679C>T (p.Arg227Trp)

Gene: KRT71 (keratin 71; minus strand). Cytogenetic location: 12q13.13.
Variant type: single nucleotide variant.
Coding change: c.679C>T on transcript NM_033448.3 (MANE Select); coding-DNA position 679, C replaced by T.
Protein change: p.Arg227Trp; replaces arginine 227 with tryptophan.
Molecular consequence: missense variant.
Genome position (GRCh38, 1-based): chr12:52,549,331, G>A on the plus strand (C>T on the coding strand, the complement: KRT71 is on the minus strand). VCF-style: chr12-52549331-G-A. GRCh37 (hg19) VCF-style: chr12-52943115-G-A.
Other names: short protein forms R227W.
Identifiers: ClinVar variation 4045100 (VCV004045100.2).